The following is an entry in ClinVar:

ClinVar aggregate classification (germline): Uncertain significance (1 of 4 stars; one submission).

Conditions:
Cardiovascular phenotype. Identifiers: MedGen CN230736.

Allele frequency attached by ClinVar (database versions not stated): gnomAD 0.00001; TOPMed 0.00001.

Submission:

Ambry Genetics
Classification: Uncertain significance for Cardiovascular phenotype. Last evaluated: 2024-01-22. Review status: criteria provided, single submitter. Criteria: Ambry Variant Classification Scheme 2023. Collection method: clinical testing. Allele origin: germline.
Comment: The p.Q349P variant (also known as c.1046A>C), located in coding exon 1 of the CHST14 gene, results from an A to C substitution at nucleotide position 1046. The glutamine at codon 349 is replaced by proline, an amino acid with similar properties. This amino acid position is conserved. In addition, the in silico prediction for this alteration is inconclusive. Based on the available evidence, the clinical significance of this alteration remains unclear.

NM_130468.4(CHST14):c.1046A>C (p.Gln349Pro)

Gene: CHST14 (carbohydrate sulfotransferase 14; plus strand). Cytogenetic location: 15q15.1.
Variant type: single nucleotide variant.
Coding change: c.1046A>C on transcript NM_130468.4 (MANE Select); coding-DNA position 1046, A replaced by C.
Protein change: p.Gln349Pro; replaces glutamine 349 with proline.
Molecular consequence: missense variant.
Genome position (GRCh38, 1-based): chr15:40,472,259, A>C. VCF-style: chr15-40472259-A-C. GRCh37 (hg19) VCF-style: chr15-40764458-A-C.
Other names: short protein forms Q349P.
Identifiers: ClinVar variation 3229028 (VCV003229028.1), dbSNP rs1463514561, ClinGen allele CA391768780.